The following is an entry in ClinVar:

ClinVar aggregate classification (germline): Uncertain significance (1 of 4 stars; one submission).

Conditions:
Intellectual developmental disorder with speech delay, dysmorphic facies, and t-cell abnormalities. Also called: BCL11B-related BAFopathy. Identifiers: Orphanet 662829, MedGen C4748152, MONDO:0060763, OMIM 618092.

gnomAD v4.1: 5 of 1,600,278 alleles (0.00031%); highest among the groups gnomAD compares: Middle Eastern, 0.016%; no homozygotes.

Submission:

Victorian Clinical Genetics Services, Murdoch Childrens Research Institute
Classification: Uncertain significance for Intellectual developmental disorder with speech delay, dysmorphic facies, and t-cell abnormalities. Last evaluated: 2020-05-26. Review status: criteria provided, single submitter. Criteria: ACMG Guidelines, 2015. Collection method: clinical testing. Allele origin: germline. Inheritance: Autosomal dominant inheritance. Affected: yes.
Comment: Based on the classification scheme VCGS_Germline_v1.1.1, this variant is classified as 3B-VUS. Following criteria are met: 0102 - Loss-of-function is a known mechanism of disease for this gene. (N) 0107 - This gene is known to be associated with autosomal dominant disease. (N) 0200 - Variant is predicted to result in a missense amino acid change from alanine to valine (exon 4). (N) 0251 - Variant is heterozygous. (N) 0302 - Variant is present in gnomAD (v3) <0.001 for a dominant condition (1 heterozygote, 0 homozygotes). (P) 0309 - Alternative amino acid changes at the same position have been observed in gnomAD (v3) (2 heterozygotes, 0 homozygotes). (N) 0503 - Missense variant consistently predicted to be tolerated or not conserved in mammals with a minor amino acid change. (B) 0600 - Variant is located in an annotated domain or motif (glycine-rich motif; PDB). (N) 0705 - No comparable variants have previous evidence for pathogenicity. (N) 0807 - Variant has not previously been reported in a clinical context. (N) 0905 - No segregation evidence has been identified for this variant. (N) 1007 - No published functional evidence has been identified for this variant. (N) 1208 - Inheritance information for this variant is not currently available. (N) Legend: (P) - Pathogenic, (N) - Neutral, (B) - Benign

NM_138576.4(BCL11B):c.1748C>T (p.Ala583Val)

Gene: BCL11B (BCL11 transcription factor B; minus strand). Cytogenetic location: 14q32.2.
Variant type: single nucleotide variant.
Coding change: c.1748C>T on transcript NM_138576.4 (MANE Select); coding-DNA position 1748, C replaced by T.
Protein change: p.Ala583Val; replaces alanine 583 with valine.
Molecular consequence: missense variant.
Genome position (GRCh38, 1-based): chr14:99,175,088, G>A on the plus strand (C>T on the coding strand, the complement: BCL11B is on the minus strand). VCF-style: chr14-99175088-G-A. GRCh37 (hg19) VCF-style: chr14-99641425-G-A.
Other names: c.1745C>T, p.Ala582Val (NM_001282237.2); c.1532C>T, p.Ala511Val (NM_001282238.2); c.1535C>T, p.Ala512Val (NM_022898.3); short protein forms A511V, A512V, A582V, A583V.
Identifiers: ClinVar variation 1805973 (VCV001805973.1), dbSNP rs769641126, ClinGen allele CA390934690.